The following is an entry in ClinVar:

ClinVar aggregate classification (germline): Pathogenic (1 of 4 stars; one submission).

Submission:

Labcorp Genetics (formerly Invitae), Labcorp
Classification: Pathogenic. Last evaluated: 2025-11-25. Review status: criteria provided, single submitter. Criteria: Invitae Variant Classification Sherloc (09022015). Collection method: clinical testing. Allele origin: germline.
Comment: This sequence change creates a premature translational stop signal (p.Val199*) in the CANT1 gene. It is expected to result in an absent or disrupted protein product. Loss-of-function variants in CANT1 are known to be pathogenic (PMID: 19853239, 21037275, 22539336). This variant is not present in population databases (gnomAD no frequency). This variant has not been reported in the literature in individuals affected with CANT1-related conditions. ClinVar contains an entry for this variant (Variation ID: 2993562). For these reasons, this variant has been classified as Pathogenic.

Literature cited by the submitters: PubMed 19853239; PubMed 21037275; PubMed 22539336.

NM_001159773.2(CANT1):c.595del (p.Trp198_Val199insTer)

Gene: CANT1 (calcium activated nucleotidase 1; minus strand). Cytogenetic location: 17q25.3.
Variant type: Deletion.
Coding change: c.595del on transcript NM_001159773.2 (MANE Select); coding-DNA position 595, one base deleted (G; older notation c.595delG).
Protein change: p.Trp198_Val199insTer.
Molecular consequence: nonsense.
Genome position (GRCh38, 1-based): chr17:78,997,028, C deleted on the plus strand (G on the coding strand, the reverse complement: CANT1 is on the minus strand); the first of 3 consecutive C bases (chr17:78,997,028-78,997,030); deleting any one gives the same sequence. VCF-style (leftmost placement, unchanged base first): chr17-78997027-AC-A. GRCh37 (hg19) VCF-style: chr17-76993109-AC-A.
Other names: c.595del, p.Trp198_Val199insTer (NM_001159772.2, NM_138793.4).
Identifiers: ClinVar variation 2993562 (VCV002993562.3), dbSNP rs2071057893, ClinGen allele CA2277259474.